The following is an entry in ClinVar:

NM_001369.2(DNAH5):c.(?_-1)_(*1_?)del

Gene: DNAH5 (dynein axonemal heavy chain 5; minus strand). Cytogenetic location: 5p15.2.
Variant type: Deletion.
Coding change: c.(?_-1)_(*1_?)del on transcript NM_001369.2; a large deletion whose breakpoints are not mapped to the base.
Identifiers: ClinVar variation 216083 (VCV000216083.1).

ClinVar aggregate classification (germline): Pathogenic (1 of 4 stars; one submission).

Conditions:
Primary ciliary dyskinesia. Also called: Ciliary dyskinesia. Identifiers: Orphanet 244, MedGen C0008780, MONDO:0016575, HP:0012265.

Submission:

Labcorp Genetics (formerly Invitae), Labcorp
Classification: Pathogenic for Primary ciliary dyskinesia. Last evaluated: 2015-04-02. Review status: criteria provided, single submitter. Criteria: Invitae Variant Classification Sherloc (09022015). Collection method: clinical testing. Allele origin: germline.
Comment: A gross deletion of the genomic region encompassing the full coding sequence of the DNAH5 gene has been identified. Although a gross deletion of the DNAH5 gene alone has not been published in the literature, segmental deletions of chromosome 5p, which encompasses DNAH5, have been reported in individuals with Cri du Chat syndrome (PMID: 365706, 25066065). This assay cannot confirm whether this deletion extends beyond the DNAH5 gene. This variant has been classified as Pathogenic.